The following is an entry in ClinVar:

NM_139076.3(ABRAXAS1):c.178+1956T>C

Gene: ABRAXAS1 (abraxas 1, BRCA1 A complex subunit; minus strand). Cytogenetic location: 4q21.23.
Variant type: single nucleotide variant.
Coding change: c.178+1956T>C on transcript NM_139076.3 (MANE Select); 1956 bases into the intron after coding-DNA position 178, T replaced by C.
Molecular consequence: intron variant.
Genome position (GRCh38, 1-based): chr4:83,480,198, A>G on the plus strand (T>C on the coding strand, the complement: ABRAXAS1 is on the minus strand). VCF-style: chr4-83480198-A-G. GRCh37 (hg19) VCF-style: chr4-84401351-A-G.
Other names: c.-83+1956T>C (NM_001345962.2).
Identifiers: ClinVar variation 3905001 (VCV003905001.10).

ClinVar aggregate classification (germline): Likely benign (1 of 4 stars; one submission).

Submission:

CeGaT Center for Human Genetics Tuebingen
Classification: Likely benign. Last evaluated: 2025-07-01. Review status: criteria provided, single submitter. Criteria: CeGaT Center For Human Genetics Tuebingen Variant Classification Criteria Version 2. Collection method: clinical testing. Allele origin: germline. Affected: yes. Observed: 3 variant alleles.
Comment: ABRAXAS1: BP4, BP7